The following is an entry in ClinVar:

ClinVar aggregate classification (germline): Benign (1 of 4 stars; one submission).

Submission:

Women's Health and Genetics/Laboratory Corporation of America, LabCorp
Classification: Benign. Last evaluated: 2019-10-15. Review status: criteria provided, single submitter. Criteria: LabCorp Variant Classification Summary - May 2015. Collection method: clinical testing. Allele origin: germline.
Comment: Variant summary: RYR2 c.11092-13_11092-11dupTTT duplicates three Ts in a polyT region located close to a canonical splice site. 5/5 computational tools predict no significant impact on normal splicing. However, these predictions have yet to be confirmed by functional studies. The variant allele was found at a frequency of 0.0013 in 24260 control chromosomes. The observed variant frequency is approximately 21 fold of the estimated maximal expected allele frequency for a pathogenic variant in RYR2 causing Arrhythmia phenotype (6e-05), strongly suggesting that the variant is benign. To our knowledge, no occurrence of c.11092-13_11092-11dupTTT in individuals affected with Arrhythmia and no experimental evidence demonstrating its impact on protein function have been reported. Co-occurrence with a pathogenic variant has been reported (PKP2 c.2197_2202delinsG, p.His733fsX8, internal sample), providing supporting evidence for a benign role. No clinical diagnostic laboratories have submitted clinical-significance assessments for this variant to ClinVar after 2014. Based on the evidence outlined above, the variant was classified as benign.

NM_001035.3(RYR2):c.11092-13_11092-11dup

Gene: RYR2 (ryanodine receptor 2; plus strand). Cytogenetic location: 1q43.
Variant type: Duplication.
Coding change: c.11092-13_11092-11dup on transcript NM_001035.3 (MANE Select); 13 bases into the intron before coding-DNA position 11092 through 11 bases into the intron before coding-DNA position 11092, 3 bases duplicated (TTT; older notation c.11092-13_11092-11dupTTT).
Molecular consequence: intron variant.
Genome position (GRCh38, 1-based): chr1:237,742,283-237,742,285, TTT duplicated; duplicating any 3 consecutive bases within chr1:237,742,271-237,742,285 gives the same sequence; the c. name uses the placement nearest the transcript's 3' end. VCF-style (leftmost placement, unchanged base first): chr1-237742270-C-CTTT. GRCh37 (hg19) VCF-style: chr1-237905570-C-CTTT.
Identifiers: ClinVar variation 929110 (VCV000929110.1), dbSNP rs397516499, ClinGen allele CA1474959.